The following is an entry in ClinVar:

ClinVar aggregate classification (germline): Benign/Likely benign. Review status: criteria provided, multiple submitters, no conflicts (2 of 4 stars). 3 submissions from 3 submitters: Benign (2); Likely benign (1). Last evaluated 2025-11-25.

Conditions:
Intellectual developmental disorder, X-linked 21. Also called: MENTAL RETARDATION, X-LINKED 34; Mental retardation, X-linked 21/34; Intellectual disability, X-linked 21. Identifiers: Orphanet 777, MedGen C5551510, MONDO:0010256, OMIM 300143.

Allele frequency attached by ClinVar (database versions not stated): gnomAD 0.00001 and 0.00042; ExAC 0.00175; 1000 Genomes Project 0.00291; TOPMed 0.00007; 1000 Genomes Project 30x 0.00271; gnomAD exomes 0.00148.
gnomAD v4.1: 810 of 1,208,234 alleles (0.067%); highest among the groups gnomAD compares: South Asian, 1.3%; 2 homozygotes.

Submissions (3):

Labcorp Genetics (formerly Invitae), Labcorp
Classification: Benign. Last evaluated: 2025-11-25. Review status: criteria provided, single submitter. Criteria: Invitae Variant Classification Sherloc (09022015). Collection method: clinical testing. Allele origin: germline.

GeneDx
Classification: Likely benign. Last evaluated: 2020-12-21. Review status: criteria provided, single submitter. Criteria: GeneDx Variant Classification Process June 2021. Collection method: clinical testing. Allele origin: germline. Affected: yes.

Illumina Laboratory Services, Illumina
Classification: Benign for Intellectual developmental disorder, X-linked 21. Last evaluated: 2018-01-13. Review status: criteria provided, single submitter. Criteria: ICSL Variant Classification Criteria 13 December 2019. Collection method: clinical testing. Allele origin: germline.
Comment: This variant was observed in the ICSL laboratory as part of a predisposition screen in an ostensibly healthy population. It had not been previously curated by ICSL or reported in the Human Gene Mutation Database (HGMD: prior to June 1st, 2018), and was therefore a candidate for classification through an automated scoring system. Utilizing variant allele frequency, disease prevalence and penetrance estimates, and inheritance mode, an automated score was calculated to assess if this variant is too frequent to cause the disease. Based on the score and internal cut-off values, a variant classified as benign is not then subjected to further curation. The score for this variant resulted in a classification of benign for this disease.

NM_014271.4(IL1RAPL1):c.1089C>T (p.Gly363=)

Gene: IL1RAPL1 (interleukin 1 receptor accessory protein like 1; plus strand). Cytogenetic location: Xp21.2.
Variant type: single nucleotide variant.
Coding change: c.1089C>T on transcript NM_014271.4 (MANE Select); coding-DNA position 1089, C replaced by T.
Protein change: p.Gly363=; no amino-acid change (glycine 363 retained).
Molecular consequence: synonymous variant.
Genome position (GRCh38, 1-based): chrX:29,941,682, C>T. VCF-style: chrX-29941682-C-T. GRCh37 (hg19) VCF-style: chrX-29959799-C-T.
Identifiers: ClinVar variation 368194 (VCV000368194.12), dbSNP rs201215945, ClinGen allele CA10375532.
Genomic context (GRCh38, chrX:29,941,682, plus strand): 5'-AATTCCCCATTGTGGTTTTTTCTTTCTAGAGCTAATGTACACAGTGGAACTTGCTGGAGG[C>T]CTTGGTGCTATACTCTTGCTGCTTGTATGTTTGGTGACCATCTACAAGTGTTACAAGATA-3'
Protein context (NP_055086.1, residues 353-373): ELMYTVELAG[Gly363=]LGAILLLLVC